The following is an entry in ClinVar:

NM_006016.6(CD164):c.331G>A (p.Val111Ile)

Gene: CD164 (CD164 molecule; minus strand). Cytogenetic location: 6q21.
Variant type: single nucleotide variant.
Coding change: c.331G>A on transcript NM_006016.6 (MANE Select); coding-DNA position 331, G replaced by A.
Protein change: p.Val111Ile; replaces valine 111 with isoleucine.
Molecular consequence: missense variant.
Genome position (GRCh38, 1-based): chr6:109,377,900, C>T on the plus strand (G>A on the coding strand, the complement: CD164 is on the minus strand). VCF-style: chr6-109377900-C-T. GRCh37 (hg19) VCF-style: chr6-109699103-C-T.
Other names: c.331G>A, p.Ala111Thr (NM_001142401.3); c.331G>A, p.Val111Ile (NM_001142402.3, NM_001142403.3, NM_001142404.3); c.229G>A, p.Val77Ile (NM_001346500.2); short protein forms A111T, V77I, V111I.
Identifiers: ClinVar variation 1472612 (VCV001472612.9), dbSNP rs142043630, ClinGen allele CA3951597.

ClinVar aggregate classification (germline): Uncertain significance (1 of 4 stars; one submission).

Allele frequency attached by ClinVar (database versions not stated): ESP Exome Variant Server 0.00015.
gnomAD v4.1: 52 of 1,611,282 alleles (0.0032%); highest among the groups gnomAD compares: African/African-American, 0.017%; no homozygotes.

Submissions (2):

Labcorp Genetics (formerly Invitae), Labcorp
Classification: Uncertain significance. Last evaluated: 2023-09-27. Review status: criteria provided, single submitter. Criteria: Invitae Variant Classification Sherloc (09022015). Collection method: clinical testing. Allele origin: germline.
Comment: This variant is present in population databases (rs142043630, gnomAD 0.01%). This sequence change replaces valine, which is neutral and non-polar, with isoleucine, which is neutral and non-polar, at codon 111 of the CD164 protein (p.Val111Ile). This variant has not been reported in the literature in individuals affected with CD164-related conditions. ClinVar contains an entry for this variant (Variation ID: 1472612). An algorithm developed to predict the effect of missense changes on protein structure and function (PolyPhen-2) suggests that this variant is likely to be disruptive. Algorithms developed to predict the effect of sequence changes on RNA splicing suggest that this variant may create or strengthen a splice site. In summary, the available evidence is currently insufficient to determine the role of this variant in disease. Therefore, it has been classified as a Variant of Uncertain Significance.

Dr. Peter K. Rogan Lab, Western University
No classification provided (evidence only). Condition: Sarcoma. Review status: no classification provided. Collection method: in vitro. Allele origin: not applicable. Functional consequence: retained intron. Not counted in ClinVar's aggregate classification.